The following is an entry in ClinVar:

ClinVar aggregate classification (germline): Conflicting classifications of pathogenicity. Review status: criteria provided, conflicting classifications (1 of 4 stars). 7 submissions from 7 submitters: Likely pathogenic (1); Uncertain significance (6). Last evaluated 2024-03-07.

Conditions:
MYBPC3-related disorder. Also called: MYBPC3-related disorders; MYBPC3-related condition; MYBPC3-related disease.
Cardiovascular phenotype. Identifiers: MedGen CN230736.
Cardiomyopathy (CMYO). Also called: Cardiomyopathies. Identifiers: Orphanet 167848, MedGen C0878544, MONDO:0004994, HP:0001638. Inheritance: Various modes of inheritance.
Hypertrophic cardiomyopathy. Also called: HYPERTROPHIC MYOCARDIOPATHY. Identifiers: Orphanet 217569, MedGen C0007194, MeSH D002312, MONDO:0005045, HP:0001639.

Allele frequency attached by ClinVar (database versions not stated): gnomAD exomes below 0.00001.
gnomAD v4.1: 1 of 1,612,418 alleles (0.000062%); highest among the groups gnomAD compares: Non-Finnish European, 0.000085%; no homozygotes.

Submissions (7):

Labcorp Genetics (formerly Invitae), Labcorp
Classification: Uncertain significance for Hypertrophic cardiomyopathy. Last evaluated: 2024-03-07. Review status: criteria provided, single submitter. Criteria: Invitae Variant Classification Sherloc (09022015). Collection method: clinical testing. Allele origin: germline.
Comment: This sequence change replaces tryptophan, which is neutral and slightly polar, with glycine, which is neutral and non-polar, at codon 486 of the MYBPC3 protein (p.Trp486Gly). This variant is not present in population databases (gnomAD no frequency). This missense change has been observed in individuals with clinical features of hypertrophic cardiomyopathy (PMID: 21943931, 27532257, 34400558; Invitae). ClinVar contains an entry for this variant (Variation ID: 42531). An algorithm developed to predict the effect of missense changes on protein structure and function (PolyPhen-2) suggests that this variant is likely to be disruptive. In summary, the available evidence is currently insufficient to determine the role of this variant in disease. Therefore, it has been classified as a Variant of Uncertain Significance.

Ambry Genetics
Classification: Uncertain significance for Cardiovascular phenotype. Last evaluated: 2023-12-13. Review status: criteria provided, single submitter. Criteria: Ambry Variant Classification Scheme 2023. Collection method: clinical testing. Allele origin: germline.
Comment: The p.W486G variant (also known as c.1456T>G), located in coding exon 16 of the MYBPC3 gene, results from a T to G substitution at nucleotide position 1456. The tryptophan at codon 486 is replaced by glycine, an amino acid with highly dissimilar properties. This variant has been reported in individuals with hypertrophic cardiomyopathy (HCM) (Walsh R et al. Genet Med, 2017 Feb;19:192-203; Field E et al. J Med Genet, 2022 Aug;59:768-775). This amino acid position is highly conserved in available vertebrate species. In addition, this alteration is predicted to be deleterious by in silico analysis. Since supporting evidence is limited at this time, the clinical significance of this alteration remains unclear.

All of Us Research Program, National Institutes of Health
Classification: Uncertain significance for Hypertrophic cardiomyopathy. Last evaluated: 2023-11-20. Review status: criteria provided, single submitter. Criteria: ACMG Guidelines, 2015. Collection method: clinical testing. Allele origin: germline. Inheritance: Autosomal dominant inheritance. Observed: 1 variant allele, 1 heterozygote.
Comment: This missense variant replaces tryptophan with glycine at codon 486 of the MYBPC3 protein. Computational prediction suggests that this variant may have deleterious impact on protein structure and function (internally defined REVEL score threshold >= 0.7, PMID: 27666373). To our knowledge, functional studies have not been reported for this variant. This variant has been reported in at least three individuals affected with hypertrophic cardiomyopathy (PMID: 27532257, 32841044). This variant has not been identified in the general population by the Genome Aggregation Database (gnomAD). The available evidence is insufficient to determine the role of this variant in disease conclusively. Therefore, this variant is classified as a Variant of Uncertain Significance.

This study involves interpretation of variants in research participants for the purpose of population health screening. Participant phenotype was not available at the time of variant classification. Additional details can be found in publication PMID: 35346344, PMCID: PMC8962531

CHEO Genetics Diagnostic Laboratory, Children's Hospital of Eastern Ontario
Classification: Uncertain significance for Cardiomyopathy. Last evaluated: 2021-10-04. Review status: criteria provided, single submitter. Criteria: ACMG Guidelines, 2015. Collection method: clinical testing. Allele origin: germline.

GeneDx
Classification: Uncertain significance. Last evaluated: 2020-04-24. Review status: criteria provided, single submitter. Criteria: GeneDx Variant Classification Process June 2021. Collection method: clinical testing. Allele origin: germline. Affected: yes.
Comment: Reported in association with HCM (Lakdawala et al., 2011; Ito et al., 2017; Walsh et al., 2017); Reported in ClinVar as a variant of uncertain significance (ClinVar Variant ID# 42531; Landrum et al., 2016); Not observed in large population cohorts (Lek et al., 2016); In silico analysis, which includes protein predictors and evolutionary conservation, supports a deleterious effect; At the mRNA level, c.1456 T>G is located in the second-to-last nucleotide position of exon 16; in silico analysis supports that this variant does not alter splicing and mini-gene assays did not demonstrate this variant alters splicing (Ito et al., 2017); This variant is associated with the following publications: (PMID: 31006259, 21943931, 28679633, 27532257)

Laboratory for Molecular Medicine, Mass General Brigham Personalized Medicine
Classification: Uncertain significance. Last evaluated: 2019-01-31. Review status: criteria provided, single submitter. Criteria: LMM Criteria. Collection method: clinical testing. Allele origin: germline. Inheritance: Autosomal dominant inheritance. Observed: 3 variant alleles.
Comment: Variant classified as Uncertain Significance - Favor Pathogenic. The p.Trp486Gly variant in MYBPC3 has been reported in 2 individuals with HCM (Lakdawala 2011, Walsh 2017). This variant was absent from large population studies. Tryptophan (Trp) at position 486 is highly conserved in mammals and across evolutionarily distant species and the change to glycine (Gly) was predicted to be pathogenic using a computational tool clinically validated by our laboratory. This tool's pathogenic prediction is estimated to be correct 94% of the time (Jordan 2011). Additionally, this variant is located in the last three bases of the exon, which is part of the 5â€™ splice region. Computational tools do not suggest an impact to splicing, though, this information is not predictive enough to determine pathogenicity. In summary, while there is some suspicion for a pathogenic role, the clinical significance of the p.Trp486Gly variant is uncertain. ACMG/AMP Criteria applied: PM2; PP3; PS4_Supporting.

Blueprint Genetics
Classification: Likely pathogenic for MYBPC3-related disorders. Last evaluated: 2017-08-15. Review status: criteria provided, single submitter. Criteria: ACMG Guidelines, 2015. Collection method: clinical testing. Allele origin: germline. Affected: yes. Observed: 1 variant allele.

Literature cited by the submitters: PubMed 21943931 (cited by Labcorp Genetics (formerly Invitae), Labcorp and Laboratory for Molecular Medicine, Mass General Brigham Personalized Medicine); PubMed 27532257 (cited by 4 submitters); PubMed 34400558 (cited by Labcorp Genetics (formerly Invitae), Labcorp and Ambry Genetics); PubMed 32841044 (cited by All of Us Research Program, National Institutes of Health); PubMed 28679633 (cited by Laboratory for Molecular Medicine, Mass General Brigham Personalized Medicine).

NM_000256.3(MYBPC3):c.1456T>G (p.Trp486Gly)

Gene: MYBPC3 (myosin binding protein C3; minus strand). Cytogenetic location: 11p11.2.
Variant type: single nucleotide variant.
Coding change: c.1456T>G on transcript NM_000256.3 (MANE Select); coding-DNA position 1456, T replaced by G.
Protein change: p.Trp486Gly; replaces tryptophan 486 with glycine.
Molecular consequence: missense variant.
Genome position (GRCh38, 1-based): chr11:47,342,831, A>C on the plus strand (T>G on the coding strand, the complement: MYBPC3 is on the minus strand). VCF-style: chr11-47342831-A-C. GRCh37 (hg19) VCF-style: chr11-47364382-A-C.
Other names: short protein forms W486G.
Identifiers: ClinVar variation 42531 (VCV000042531.22), dbSNP rs397515902, ClinGen allele CA010331.